The following is an entry in ClinVar:

ClinVar aggregate classification (germline): Uncertain significance (1 of 4 stars; one submission).

Conditions:
PLXNA3-related disorder. Also called: PLXNA3-related condition.

Submission:

PreventionGenetics, part of Exact Sciences
Classification: Uncertain significance for PLXNA3-related condition. Last evaluated: 2025-09-02. Review status: criteria provided, single submitter. Criteria: ACMG Guidelines, 2015. Collection method: clinical testing. Allele origin: germline.
Comment: The PLXNA3 c.4793A>G variant is predicted to result in the amino acid substitution p.Tyr1598Cys. To our knowledge, this variant has not been reported in the literature or in a large population database (gnomAD), indicating this variant is rare. At this time, the clinical significance of this variant is uncertain due to the absence of conclusive functional and genetic evidence.

NM_017514.5(PLXNA3):c.4793A>G (p.Tyr1598Cys)

Gene: PLXNA3 (plexin A3; plus strand). Cytogenetic location: Xq28.
Variant type: single nucleotide variant.
Coding change: c.4793A>G on transcript NM_017514.5 (MANE Select); coding-DNA position 4793, A replaced by G.
Protein change: p.Tyr1598Cys; replaces tyrosine 1598 with cysteine.
Molecular consequence: missense variant.
Genome position (GRCh38, 1-based): chrX:154,469,782, A>G. VCF-style: chrX-154469782-A-G. GRCh37 (hg19) VCF-style: chrX-153698125-A-G.
Other names: short protein forms Y1598C.
Identifiers: ClinVar variation 4996414 (VCV004996414.1).